The following is an entry in ClinVar:

ClinVar aggregate classification (germline): Uncertain significance. Review status: criteria provided, multiple submitters, no conflicts (2 of 4 stars). 2 submissions from 2 submitters: Uncertain significance (2). Last evaluated 2023-10-03.

Conditions:
Holoprosencephaly 2 (HPE2). Identifiers: Orphanet 2162, MedGen C1834877, MONDO:0007999, OMIM 157170.

Allele frequency attached by ClinVar (database versions not stated): TOPMed below 0.00001; gnomAD 0.00001.
gnomAD v4.1: 1 of 1,602,390 alleles (0.000062%); highest among the groups gnomAD compares: Non-Finnish European, 0.000085%; no homozygotes.

Submissions (2):

Labcorp Genetics (formerly Invitae), Labcorp
Classification: Uncertain significance for Holoprosencephaly 2. Last evaluated: 2023-10-03. Review status: criteria provided, single submitter. Criteria: Invitae Variant Classification Sherloc (09022015). Collection method: clinical testing. Allele origin: germline.
Comment: This sequence change replaces aspartic acid, which is acidic and polar, with histidine, which is basic and polar, at codon 205 of the SIX3 protein (p.Asp205His). This variant is not present in population databases (gnomAD no frequency). This variant has not been reported in the literature in individuals affected with SIX3-related conditions. ClinVar contains an entry for this variant (Variation ID: 288767). Advanced modeling of protein sequence and biophysical properties (such as structural, functional, and spatial information, amino acid conservation, physicochemical variation, residue mobility, and thermodynamic stability) performed at Invitae indicates that this missense variant is expected to disrupt SIX3 protein function. In summary, the available evidence is currently insufficient to determine the role of this variant in disease. Therefore, it has been classified as a Variant of Uncertain Significance.

Eurofins Ntd Llc (ga)
Classification: Uncertain significance. Last evaluated: 2016-07-06. Review status: criteria provided, single submitter. Criteria: EGL Classification Definitions 2015. Collection method: clinical testing. Allele origin: germline. Observed: 1 variant allele, 1 heterozygote.

NM_005413.4(SIX3):c.613G>C (p.Asp205His)

Gene: SIX3 (SIX homeobox 3; plus strand). Cytogenetic location: 2p21.
Variant type: single nucleotide variant.
Coding change: c.613G>C on transcript NM_005413.4 (MANE Select); coding-DNA position 613, G replaced by C.
Protein change: p.Asp205His; replaces aspartic acid 205 with histidine.
Molecular consequence: missense variant.
Genome position (GRCh38, 1-based): chr2:44,942,717, G>C. VCF-style: chr2-44942717-G-C. GRCh37 (hg19) VCF-style: chr2-45169856-G-C.
Other names: short protein forms D205H.
Identifiers: ClinVar variation 288767 (VCV000288767.9), dbSNP rs886044000, ClinGen allele CA10606212.
Genomic context (GRCh38, chr2:44,942,717, plus strand): 5'-CTCGGCCCGGTGGACAAGTACCGCGTGCGCAAGAAGTTCCCGCTGCCACGCACCATCTGG[G>C]ACGGCGAGCAGAAGACGCATTGCTTCAAGGAGCGGACTCGGAGCCTGTTGCGGGAGTGGT-3'
Protein context (NP_005404.1, residues 195-215): KKFPLPRTIW[Asp205His]GEQKTHCFKE